The following is an entry in ClinVar:

NM_130839.5(UBE3A):c.1594G>A (p.Asp532Asn)

Genes: SNHG14 (small nucleolar RNA host gene 14; plus strand), UBE3A (ubiquitin protein ligase E3A; minus strand). Cytogenetic location: 15q11.2.
Variant type: single nucleotide variant.
Coding change: c.1594G>A on transcript NM_130839.5 (MANE Select); coding-DNA position 1594, G replaced by A.
Protein change: p.Asp532Asn; replaces aspartic acid 532 with asparagine.
Molecular consequence: missense variant. On other transcripts: non-coding transcript variant (1), intron variant (2).
Genome position (GRCh38, 1-based): chr15:25,370,580, C>T on the plus strand (G>A on the coding strand, the complement: UBE3A is on the minus strand). VCF-style: chr15-25370580-C-T. GRCh37 (hg19) VCF-style: chr15-25615727-C-T.
Other names: c.1603G>A, p.Asp535Asn (NM_000462.5); c.1594G>A, p.Asp532Asn (NM_001354505.1, NM_001354538.2, NM_001354545.2); c.1534G>A, p.Asp512Asn (NM_001354506.2, NM_001354507.2, NM_001354508.2 and 17 more transcripts); c.1417G>A, p.Asp473Asn (NM_001354546.2); c.301+4885G>A (NM_001354551.2); c.361+4885G>A (NM_001354550.2); short protein forms D473N, D512N, D532N, D535N.
Identifiers: ClinVar variation 4531493 (VCV004531493.1).

ClinVar aggregate classification (germline): Uncertain significance (1 of 4 stars; one submission).

Conditions:
Angelman syndrome (AS). Also called: HAPPY PUPPET SYNDROME. Identifiers: Orphanet 72, MedGen C0162635, MONDO:0007113, OMIM 105830. Disease mechanism: loss of function. Inheritance: AS is caused by disruption of maternally imprinted UBE3A located within the 15q11.2-q13 Angelman syndrome/Prader-Willi syndrome (AS/PWS) region., imprinting disorder.

Submission:

Victorian Clinical Genetics Services, Murdoch Childrens Research Institute
Classification: Uncertain significance for Angelman syndrome. Last evaluated: 2024-10-14. Review status: criteria provided, single submitter. Criteria: ACMG Guidelines, 2015. Collection method: clinical testing. Allele origin: germline. Affected: yes.
Comment: This variant is classified as VUS-3A. Evidence in support of pathogenic classification: Variant is absent from gnomAD (v2, v3 and v4); Another missense variant comparable to the one identified in this case has limited previous evidence for pathogenicity. p.(Asp532Tyr) has been classified once as likely pathogenic by a clinical laboratory (ClinVar); Missense variant consistently predicted to be damaging by in silico tool or highly conserved with a major amino acid change. Additional information: Variant is predicted to result in a missense amino acid change from aspartic acid to asparagine; This variant is suspected mosaic; This gene is associated with autosomal dominant disease; This variant has no previous evidence of pathogenicity; No published segregation evidence has been identified for this variant; No published functional evidence has been identified for this variant; Variant is not located in an established domain, motif, hotspot or informative constraint region; Loss of function is a known mechanism of disease in this gene and is associated with Angelman syndrome (MIM#105830); This gene is known to be imprinted, which results in the silencing of the paternal allele (PMID: 20301323) - Inheritance information for this variant is not currently available in this individual.

Literature cited by the submitters: PubMed 20301323.